The following is an entry in ClinVar:

ClinVar aggregate classification (germline): Likely benign. Review status: criteria provided, multiple submitters, no conflicts (2 of 4 stars). 2 submissions from 2 submitters: Likely benign (2). Last evaluated 2024-12-19.

Conditions:
Hereditary nonpolyposis colorectal neoplasms. Identifiers: MedGen C0009405, MeSH D003123.
Lynch syndrome 5 (LYNCH5). Also called: Hereditary non-polyposis colorectal cancer, type 5; Colorectal cancer, hereditary nonpolyposis, type 5. Identifiers: Orphanet 144, MedGen C1833477, MONDO:0013710, OMIM 614350. Disease mechanism: loss of function.

Submissions (2):

Myriad Genetics, Inc.
Classification: Likely benign for Lynch syndrome 5. Last evaluated: 2024-12-19. Review status: criteria provided, single submitter. Criteria: Myriad Autosomal Dominant, Autosomal Recessive and X-Linked Classification Criteria (2023). Collection method: clinical testing. Allele origin: unknown.
Comment: This variant is considered likely benign. This variant is intronic and is not expected to impact mRNA splicing.

Labcorp Genetics (formerly Invitae), Labcorp
Classification: Likely benign for Hereditary nonpolyposis colorectal neoplasms. Last evaluated: 2022-08-16. Review status: criteria provided, single submitter. Criteria: Invitae Variant Classification Sherloc (09022015). Collection method: clinical testing. Allele origin: germline.

NM_000179.3(MSH6):c.627+8A>C

Gene: MSH6 (mutS homolog 6; plus strand). Cytogenetic location: 2p16.3.
Variant type: single nucleotide variant.
Coding change: c.627+8A>C on transcript NM_000179.3 (MANE Select); 8 bases into the intron after coding-DNA position 627, A replaced by C.
Molecular consequence: intron variant.
Genome position (GRCh38, 1-based): chr2:47,796,071, A>C. VCF-style: chr2-47796071-A-C. GRCh37 (hg19) VCF-style: chr2-48023210-A-C.
Other names: c.-279-2540A>C (NM_001281493.2); c.238-2540A>C (NM_001281492.2); c.-276+8A>C (NM_001281494.2).
Identifiers: ClinVar variation 416167 (VCV000416167.10), dbSNP rs1060504754, ClinGen allele CA16610921.